The following is an entry in ClinVar:

NM_013447.4(ADGRE2):c.1519G>A (p.Asp507Asn)

Gene: ADGRE2 (adhesion G protein-coupled receptor E2; minus strand). Cytogenetic location: 19p13.12.
Variant type: single nucleotide variant.
Coding change: c.1519G>A on transcript NM_013447.4 (MANE Select); coding-DNA position 1519, G replaced by A.
Protein change: p.Asp507Asn; replaces aspartic acid 507 with asparagine.
Molecular consequence: missense variant. On other transcripts: intron variant (1).
Genome position (GRCh38, 1-based): chr19:14,755,025, C>T on the plus strand (G>A on the coding strand, the complement: ADGRE2 is on the minus strand). VCF-style: chr19-14755025-C-T. GRCh37 (hg19) VCF-style: chr19-14865837-C-T.
Other names: c.1372G>A, p.Asp458Asn (NM_152916.2); c.1240G>A, p.Asp414Asn (NM_152917.2); c.1416+629G>A (NM_001271052.1); short protein forms D414N, D458N, D507N.
Identifiers: ClinVar variation 1974895 (VCV001974895.5), dbSNP rs2043440350, ClinGen allele CA404454181.
Genomic context (GRCh38, chr19:14,755,025, plus strand): 5'-AGTGGGCCATGAGGACGGCAAAGCTGCTCAGGTGGGTGCAACGGCAGATGGTGCTGGTGT[C>T]TCTGGTGCCTATTGTGCTGCAGCCTGTGGTGGCCCAGTGACCACATCCATTCTGGCCATG-3'
Protein context (NP_038475.2, residues 497-517): TTGCSTIGTR[Asp507Asn]TSTICRCTHL

ClinVar aggregate classification (germline): Uncertain significance (1 of 4 stars; one submission).

Allele frequency attached by ClinVar (database versions not stated): TOPMed below 0.00001; gnomAD 0.00001; gnomAD exomes 0.00001.
gnomAD v4.1: 4 of 1,614,028 alleles (0.00025%); highest among the groups gnomAD compares: South Asian, 0.0011%; no homozygotes.

Submission:

Labcorp Genetics (formerly Invitae), Labcorp
Classification: Uncertain significance. Last evaluated: 2024-04-10. Review status: criteria provided, single submitter. Criteria: Invitae Variant Classification Sherloc (09022015). Collection method: clinical testing. Allele origin: germline.
Comment: This sequence change replaces aspartic acid, which is acidic and polar, with asparagine, which is neutral and polar, at codon 507 of the ADGRE2 protein (p.Asp507Asn). This variant is not present in population databases (gnomAD no frequency). This variant has not been reported in the literature in individuals affected with ADGRE2-related conditions. ClinVar contains an entry for this variant (Variation ID: 1974895). Algorithms developed to predict the effect of missense changes on protein structure and function output the following: SIFT: "Not Available"; PolyPhen-2: "Benign"; Align-GVGD: "Not Available". The asparagine amino acid residue is found in multiple mammalian species, which suggests that this missense change does not adversely affect protein function. In summary, the available evidence is currently insufficient to determine the role of this variant in disease. Therefore, it has been classified as a Variant of Uncertain Significance.